The following is an entry in ClinVar:

ClinVar aggregate classification (germline): Uncertain significance (1 of 4 stars; one submission).

Conditions:
Nemaline myopathy 2 (NEM2). Also called: Nemaline myopathy 2, autosomal recessive. Identifiers: MedGen C1850569, MONDO:0009725, OMIM 256030.

Submission:

Labcorp Genetics (formerly Invitae), Labcorp
Classification: Uncertain significance for Nemaline myopathy 2. Last evaluated: 2022-08-16. Review status: criteria provided, single submitter. Criteria: Invitae Variant Classification Sherloc (09022015). Collection method: clinical testing. Allele origin: germline.
Comment: In summary, the available evidence is currently insufficient to determine the role of this variant in disease. Therefore, it has been classified as a Variant of Uncertain Significance. Algorithms developed to predict the effect of missense changes on protein structure and function are either unavailable or do not agree on the potential impact of this missense change (SIFT: "Deleterious"; PolyPhen-2: "Not Available"; Align-GVGD: "Class C0"). This variant has not been reported in the literature in individuals affected with NEB-related conditions. This variant is not present in population databases (gnomAD no frequency). This sequence change replaces valine, which is neutral and non-polar, with phenylalanine, which is neutral and non-polar, at codon 6813 of the NEB protein (p.Val6813Phe).

NM_001164508.2(NEB):c.20437G>T (p.Val6813Phe)

Gene: NEB (nebulin; minus strand). Cytogenetic location: 2q23.3.
Variant type: single nucleotide variant.
Coding change: c.20437G>T on transcript NM_001164508.2 (MANE Select); coding-DNA position 20437, G replaced by T.
Protein change: p.Val6813Phe; replaces valine 6813 with phenylalanine.
Molecular consequence: missense variant.
Genome position (GRCh38, 1-based): chr2:151,546,374, C>A on the plus strand (G>T on the coding strand, the complement: NEB is on the minus strand). VCF-style: chr2-151546374-C-A. GRCh37 (hg19) VCF-style: chr2-152402888-C-A.
Other names: c.20437G>T, p.Val6813Phe (NM_001164507.2, NM_001271208.2); c.15334G>T, p.Val5112Phe (NM_004543.5); short protein forms V5112F, V6813F.
Identifiers: ClinVar variation 2077411 (VCV002077411.4), dbSNP rs951646007, ClinGen allele CA348780909.